The following is an entry in ClinVar:

ClinVar aggregate classification (germline): Uncertain significance (1 of 4 stars; one submission).

Allele frequency attached by ClinVar (database versions not stated): ExAC 0.00014.

Submission:

Labcorp Genetics (formerly Invitae), Labcorp
Classification: Uncertain significance. Last evaluated: 2021-01-13. Review status: criteria provided, single submitter. Criteria: Invitae Variant Classification Sherloc (09022015). Collection method: clinical testing. Allele origin: germline.
Comment: This sequence change replaces arginine with histidine at codon 61 of the MMP9 protein (p.Arg61His). The arginine residue is weakly conserved and there is a small physicochemical difference between arginine and histidine. This variant is present in population databases (rs201069991, ExAC 0.04%). This variant has not been reported in the literature in individuals with MMP9-related conditions. Algorithms developed to predict the effect of missense changes on protein structure and function output the following: SIFT: "Tolerated"; PolyPhen-2: "Benign"; Align-GVGD: "Class C0". The histidine amino acid residue is found in multiple mammalian species, suggesting that this missense change does not adversely affect protein function. These predictions have not been confirmed by published functional studies and their clinical significance is uncertain. In summary, the available evidence is currently insufficient to determine the role of this variant in disease. Therefore, it has been classified as a Variant of Uncertain Significance.

NM_004994.3(MMP9):c.182G>A (p.Arg61His)

Gene: MMP9 (matrix metallopeptidase 9; plus strand). Cytogenetic location: 20q13.12.
Variant type: single nucleotide variant.
Coding change: c.182G>A on transcript NM_004994.3 (MANE Select); coding-DNA position 182, G replaced by A.
Protein change: p.Arg61His; replaces arginine 61 with histidine.
Molecular consequence: missense variant.
Genome position (GRCh38, 1-based): chr20:46,009,909, G>A. VCF-style: chr20-46009909-G-A. GRCh37 (hg19) VCF-style: chr20-44638548-G-A.
Other names: short protein forms R61H.
Identifiers: ClinVar variation 1477791 (VCV001477791.8), dbSNP rs201069991, ClinGen allele CA9886342.